The following is an entry in ClinVar:

ClinVar aggregate classification (germline): Uncertain significance (1 of 4 stars; one submission).

gnomAD v4.1: 1 of 1,607,008 alleles (0.000062%); highest among the groups gnomAD compares: Non-Finnish European, 0.000085%; no homozygotes.

Submission:

GeneDx
Classification: Uncertain significance. Last evaluated: 2025-04-29. Review status: criteria provided, single submitter. Criteria: GeneDx Variant Classification Process June 2021. Collection method: clinical testing. Allele origin: germline. Affected: yes.
Comment: Reported in the published literature in association with hereditary spastic paraplegia; however, detailed clinical information was not provided (PMID: 20562464, 21546041); In silico analysis supports that this missense variant has a deleterious effect on protein structure/function; Not observed at significant frequency in large population cohorts (gnomAD); This variant is associated with the following publications: (PMID: 21139634, 26094131, 20562464, 21546041, 28572275)

NM_014946.4(SPAST):c.1093C>T (p.Pro365Ser)

Gene: SPAST (spastin; plus strand). Cytogenetic location: 2p22.3.
Variant type: single nucleotide variant.
Coding change: c.1093C>T on transcript NM_014946.4 (MANE Select); coding-DNA position 1093, C replaced by T.
Protein change: p.Pro365Ser; replaces proline 365 with serine.
Molecular consequence: missense variant.
Genome position (GRCh38, 1-based): chr2:32,116,207, C>T. VCF-style: chr2-32116207-C-T. GRCh37 (hg19) VCF-style: chr2-32341276-C-T.
Other names: c.1090C>T, p.Pro364Ser (NM_001363823.2); c.994C>T, p.Pro332Ser (NM_001363875.2); c.997C>T, p.Pro333Ser (NM_001377959.1, NM_199436.2); short protein forms P332S, P333S, P364S, P365S.
Identifiers: ClinVar variation 4528245 (VCV004528245.1).